The following is an entry in ClinVar:

ClinVar aggregate classification (germline): Likely pathogenic (1 of 4 stars; one submission).

Conditions:
NR2F2-related disorder. Also called: NR2F2-related condition.

Submission:

Rady Children's Institute for Genomic Medicine, Rady Children's Hospital San Diego
Classification: Likely pathogenic for NR2F2-related disorders. Last evaluated: 2025-12-23. Review status: criteria provided, single submitter. Criteria: ACMG Guidelines, 2015. Collection method: clinical testing. Allele origin: germline. Affected: yes.
Comment: The NR2F2 gene is constrained against variation (Z-score= 4.21 and pLI = 1), and missense variants are a common mechanism of disease (HGMD, ClinVar database; PMID: 37500725). The c.257C>T (p.Ser86Leu) variant affects a highly conserved amino acid and is predicted by multiple in silico tools to have a deleterious effect on protein function. This variant has not been previously reported or functionally characterized in the literature to our knowledge. A different amino acid change at the same residue (p.Ser86Trp) has been previously reported in an individual with NR2F2-related disorders (PMID: 37500725). The c.257C>T (p.Ser86Leu) variant is absent from the latest version of the gnomAD population database and thus is presumed to be rare. Based on parental analysis, this variant likely occurred as a de novo event. Based on the available evidence, c.257C>T (p.Ser86Leu) is classified as Likely Pathogenic.

Literature cited by the submitters: PubMed 37500725.

NM_021005.4(NR2F2):c.257C>T (p.Ser86Leu)

Gene: NR2F2 (nuclear receptor subfamily 2 group F member 2; plus strand). Cytogenetic location: 15q26.2.
Variant type: single nucleotide variant.
Coding change: c.257C>T on transcript NM_021005.4 (MANE Select); coding-DNA position 257, C replaced by T.
Protein change: p.Ser86Leu; replaces serine 86 with leucine.
Molecular consequence: missense variant. On other transcripts: intron variant (1).
Genome position (GRCh38, 1-based): chr15:96,332,362, C>T. VCF-style: chr15-96332362-C-T. GRCh37 (hg19) VCF-style: chr15-96875591-C-T.
Other names: c.44-1714C>T (NM_001145155.2); short protein forms S86L.
Identifiers: ClinVar variation 4814208 (VCV004814208.1).